The following is an entry in ClinVar:

NM_144999.4(LRRC45):c.774+3G>A

Gene: LRRC45 (leucine rich repeat containing 45; plus strand). Cytogenetic location: 17q25.3.
Variant type: single nucleotide variant.
Coding change: c.774+3G>A on transcript NM_144999.4 (MANE Select); 3 bases into the intron after coding-DNA position 774, G replaced by A.
Molecular consequence: intron variant.
Genome position (GRCh38, 1-based): chr17:82,027,014, G>A. VCF-style: chr17-82027014-G-A. GRCh37 (hg19) VCF-style: chr17-79984890-G-A.
Identifiers: ClinVar variation 4982314 (VCV004982314.1).

ClinVar aggregate classification (germline): Likely benign (1 of 4 stars; one submission).

Conditions:
LRRC45-related disorder. Also called: LRRC45-related condition.

gnomAD v4.1: 60 of 1,588,564 alleles (0.0038%); highest among the groups gnomAD compares: Admixed American, 0.1%; no homozygotes.

Submission:

PreventionGenetics, part of Exact Sciences
Classification: Likely benign for LRRC45-related condition. Last evaluated: 2024-11-06. Review status: criteria provided, single submitter. Criteria: ACMG Guidelines, 2015. Collection method: clinical testing. Allele origin: germline.
Comment: This variant is classified as likely benign based on ACMG/AMP sequence variant interpretation guidelines (Richards et al. 2015 PMID: 25741868, with internal and published modifications).